The following is an entry in ClinVar:

ClinVar aggregate classification (germline): Likely benign (1 of 4 stars; one submission).

Allele frequency attached by ClinVar (database versions not stated): ExAC 0.00001; gnomAD 0.00001; gnomAD exomes 0.00001; TOPMed 0.00001.
gnomAD v4.1: 22 of 1,613,900 alleles (0.0014%); highest among the groups gnomAD compares: South Asian, 0.0022%; no homozygotes.

Submission:

CeGaT Center for Human Genetics Tuebingen
Classification: Likely benign. Last evaluated: 2022-09-01. Review status: criteria provided, single submitter. Criteria: CeGaT Center For Human Genetics Tuebingen Variant Classification Criteria Version 2. Collection method: clinical testing. Allele origin: germline. Affected: yes. Observed: 1 variant allele.
Comment: NFE2L2: BP4, BP7

NM_006164.5(NFE2L2):c.1716T>C (p.Asp572=)

Gene: NFE2L2 (NFE2 like bZIP transcription factor 2; minus strand). Cytogenetic location: 2q31.2.
Variant type: single nucleotide variant.
Coding change: c.1716T>C on transcript NM_006164.5 (MANE Select); coding-DNA position 1716, T replaced by C.
Protein change: p.Asp572=; no amino-acid change (aspartic acid 572 retained).
Molecular consequence: synonymous variant.
Genome position (GRCh38, 1-based): chr2:177,230,887, A>G on the plus strand (T>C on the coding strand, the complement: NFE2L2 is on the minus strand). VCF-style: chr2-177230887-A-G. GRCh37 (hg19) VCF-style: chr2-178095615-A-G.
Other names: c.1668T>C, p.Asp556= (NM_001145412.3, NM_001313900.1, NM_001313901.1); c.1647T>C, p.Asp549= (NM_001145413.3); c.1626T>C, p.Asp542= (NM_001313902.2); c.1497T>C, p.Asp499= (NM_001313903.2); c.1416T>C, p.Asp472= (NM_001313904.1).
Identifiers: ClinVar variation 2651566 (VCV002651566.24), dbSNP rs753313785, ClinGen allele CA1979657.